The following is an entry in ClinVar:

ClinVar aggregate classification (germline): Benign/Likely benign. Review status: criteria provided, multiple submitters, no conflicts (2 of 4 stars). 2 submissions from 2 submitters: Benign (1); Likely benign (1). Last evaluated 2024-04-25.

Conditions:
Hereditary cancer-predisposing syndrome. Also called: Hereditary Cancer Syndrome; Hereditary neoplastic syndrome; Tumor predisposition; Neoplastic Syndromes, Hereditary. Identifiers: Orphanet 140162, MedGen C0027672, MeSH D009386, MONDO:0015356.
Familial cancer of breast. Also called: BREAST CANCER, FAMILIAL; Hereditary breast cancer; hereditary breast carcinoma. Identifiers: Orphanet 227535, MedGen C0346153, MONDO:0016419, OMIM 114480. Disease mechanism: loss of function.

Submissions (2):

Myriad Genetics, Inc.
Classification: Benign for Familial cancer of breast. Last evaluated: 2024-04-25. Review status: criteria provided, single submitter. Criteria: Myriad Autosomal Dominant, Autosomal Recessive and X-Linked Classification Criteria (2023). Collection method: clinical testing. Allele origin: unknown.
Comment: This variant is considered benign. This variant is a silent/synonymous amino acid change and it is not expected to impact splicing.

Ambry Genetics
Classification: Likely benign for Hereditary cancer-predisposing syndrome. Last evaluated: 2021-10-10. Review status: criteria provided, single submitter. Criteria: Ambry Variant Classification Scheme 2023. Collection method: clinical testing. Allele origin: germline.

NM_000051.4(ATM):c.1092G>A (p.Leu364=)

Gene: ATM (ATM serine/threonine kinase; plus strand). Cytogenetic location: 11q22.3.
Variant type: single nucleotide variant.
Coding change: c.1092G>A on transcript NM_000051.4 (MANE Select); coding-DNA position 1092, G replaced by A.
Protein change: p.Leu364=; no amino-acid change (leucine 364 retained).
Molecular consequence: synonymous variant.
Genome position (GRCh38, 1-based): chr11:108,248,959, G>A. VCF-style: chr11-108248959-G-A. GRCh37 (hg19) VCF-style: chr11-108119686-G-A.
Other names: c.1092G>A, p.Leu364= (NM_001351834.2).
Identifiers: ClinVar variation 1789737 (VCV001789737.3), dbSNP rs2135290727, ClinGen allele CA476671661.